The following is an entry in ClinVar:

ClinVar aggregate classification (germline): Uncertain significance. Review status: criteria provided, multiple submitters, no conflicts (2 of 4 stars). 2 submissions from 2 submitters: Uncertain significance (2). Last evaluated 2025-08-12.

Conditions:
Inborn genetic diseases. Identifiers: MedGen C0950123, MeSH D030342.

Allele frequency attached by ClinVar (database versions not stated): TOPMed 0.00006; ESP Exome Variant Server 0.00008; gnomAD 0.00009; 1000 Genomes Project 30x 0.00031; 1000 Genomes Project 0.00040.

Submissions (2):

Ambry Genetics
Classification: Uncertain significance for Inborn genetic diseases. Last evaluated: 2025-08-12. Review status: criteria provided, single submitter. Criteria: Ambry Variant Classification Scheme 2023. Collection method: clinical testing. Allele origin: germline.

Labcorp Genetics (formerly Invitae), Labcorp
Classification: Uncertain significance. Last evaluated: 2022-08-22. Review status: criteria provided, single submitter. Criteria: Invitae Variant Classification Sherloc (09022015). Collection method: clinical testing. Allele origin: germline.
Comment: This sequence change replaces methionine, which is neutral and non-polar, with valine, which is neutral and non-polar, at codon 178 of the SLC4A11 protein (p.Met178Val). This variant is present in population databases (rs190362136, gnomAD 0.01%). This variant has not been reported in the literature in individuals affected with SLC4A11-related conditions. Algorithms developed to predict the effect of missense changes on protein structure and function (SIFT, PolyPhen-2, Align-GVGD) all suggest that this variant is likely to be tolerated. In summary, the available evidence is currently insufficient to determine the role of this variant in disease. Therefore, it has been classified as a Variant of Uncertain Significance.

NM_001174089.2(SLC4A11):c.484A>G (p.Met162Val)

Gene: SLC4A11 (solute carrier family 4 member 11; minus strand). Cytogenetic location: 20p13.
Variant type: single nucleotide variant.
Coding change: c.484A>G on transcript NM_001174089.2 (MANE Select); coding-DNA position 484, A replaced by G.
Protein change: p.Met162Val; replaces methionine 162 with valine.
Molecular consequence: missense variant. On other transcripts: non-coding transcript variant (3).
Genome position (GRCh38, 1-based): chr20:3,234,122, T>C on the plus strand (A>G on the coding strand, the complement: SLC4A11 is on the minus strand). VCF-style: chr20-3234122-T-C. GRCh37 (hg19) VCF-style: chr20-3214768-T-C.
Other names: c.613A>G, p.Met205Val (NM_001174090.2, NM_001400280.1); c.484A>G, p.Met162Val (NM_001363745.2); c.427A>G, p.Met143Val (NM_001400277.1, NM_001400278.1, NM_001400279.1); c.532A>G, p.Met178Val (NM_032034.4); c.532A>G (NM_032034.3); short protein forms M205V, M162V, M178V, M143V.
Identifiers: ClinVar variation 2148575 (VCV002148575.2), dbSNP rs190362136, ClinGen allele CA9742279.